The following is an entry in ClinVar:

NM_005188.4(CBL):c.1048A>T (p.Thr350Ser)

Gene: CBL (Cbl proto-oncogene; plus strand). Cytogenetic location: 11q23.3.
Variant type: single nucleotide variant.
Coding change: c.1048A>T on transcript NM_005188.4 (MANE Select); coding-DNA position 1048, A replaced by T.
Protein change: p.Thr350Ser; replaces threonine 350 with serine.
Molecular consequence: missense variant.
Genome position (GRCh38, 1-based): chr11:119,277,797, A>T. VCF-style: chr11-119277797-A-T. GRCh37 (hg19) VCF-style: chr11-119148507-A-T.
Other names: short protein forms T350S.
Identifiers: ClinVar variation 4219884 (VCV004219884.1).
Genomic context (GRCh38, chr11:119,277,797, plus strand): 5'-GGGTTGGTTACTCTTTACAGCTATTTGTTTCCTGATGGACGAAATCAGAATCCTGATCTG[A>T]CTGGCTTATGTGAACCAACTCCCCAAGACCATATCAAAGTGACCCAGGTGAGTTTTGTTT-3'
Protein context (NP_005179.2, residues 340-360): PDGRNQNPDL[Thr350Ser]GLCEPTPQDH

ClinVar aggregate classification (germline): Uncertain significance (1 of 4 stars; one submission).

Conditions:
Cardiovascular phenotype. Identifiers: MedGen CN230736.

gnomAD v4.1: 2 of 1,614,066 alleles (0.00012%); highest among the groups gnomAD compares: South Asian, 0.0022%; no homozygotes.

Submission:

Ambry Genetics
Classification: Uncertain significance for Cardiovascular phenotype. Last evaluated: 2025-08-01. Review status: criteria provided, single submitter. Criteria: Ambry Variant Classification Scheme 2023. Collection method: clinical testing. Allele origin: germline.
Comment: The p.T350S variant (also known as c.1048A>T), located in coding exon 7 of the CBL gene, results from an A to T substitution at nucleotide position 1048. The threonine at codon 350 is replaced by serine, an amino acid with similar properties. This amino acid position is conserved. In addition, the in silico prediction for this alteration is inconclusive. Based on the available evidence, the clinical significance of this variant remains unclear.